The following is an entry in ClinVar:

NM_001199397.3(NEK1):c.1942_1944delinsGGG (p.Lys648Gly)

Gene: NEK1 (NIMA related kinase 1; minus strand). Cytogenetic location: 4q33.
Variant type: Indel.
Coding change: c.1942_1944delinsGGG on transcript NM_001199397.3 (MANE Select); coding-DNA positions 1942 to 1944, AAA replaced by GGG.
Protein change: p.Lys648Gly; replaces lysine 648 with glycine.
Molecular consequence: missense variant. On other transcripts: non-coding transcript variant (1), intron variant (1).
Genome position (GRCh38, 1-based): chr4:169,507,100-169,507,102, TTT replaced by CCC on the plus strand (AAA replaced by GGG on the coding strand, the reverse complement: NEK1 is on the minus strand). VCF-style: chr4-169507100-TTT-CCC. GRCh37 (hg19) VCF-style: chr4-170428251-TTT-CCC.
Other names: c.1810_1812delinsGGG, p.Lys604Gly (NM_001199398.3); c.1651_1653delinsGGG, p.Lys551Gly (NM_001199399.3); c.1726_1728delinsGGG, p.Lys576Gly (NM_001199400.3); c.1942_1944delinsGGG, p.Lys648Gly (NM_001374418.1); c.1858_1860delinsGGG, p.Lys620Gly (NM_001374419.1, NM_012224.4); c.1807_1809delinsGGG, p.Lys603Gly (NM_001374420.1); c.1701+613_1701+615delinsGGG (NM_001374421.1); short protein forms K576G, K620G, K551G, K603G, K604G, K648G.
Identifiers: ClinVar variation 2793745 (VCV002793745.3), dbSNP rs2546546093, ClinGen allele CA2739270349.

ClinVar aggregate classification (germline): Uncertain significance (1 of 4 stars; one submission).

Conditions:
Short-rib thoracic dysplasia 6 with or without polydactyly (SRTD6). Also called: Majewski Syndrome; SHORT-RIB THORACIC DYSPLASIA 6 WITH POLYDACTYLY; SHORT-RIB THORACIC DYSPLASIA 6 WITHOUT POLYDACTYLY; POLYDACTYLY WITH NEONATAL CHONDRODYSTROPHY, TYPE II; SHORT RIB-POLYDACTYLY SYNDROME, TYPE IIA. Identifiers: MedGen C0024507, MONDO:0009894, OMIM 263520.

Submission:

Labcorp Genetics (formerly Invitae), Labcorp
Classification: Uncertain significance for Short-rib thoracic dysplasia 6 with or without polydactyly. Last evaluated: 2023-12-06. Review status: criteria provided, single submitter. Criteria: Invitae Variant Classification Sherloc (09022015). Collection method: clinical testing. Allele origin: germline.
Comment: This sequence change replaces lysine, which is basic and polar, with glycine, which is neutral and non-polar, at codon 620 of the NEK1 protein (p.Lys620Gly). Information on the frequency of this variant in the gnomAD database is not available, as this variant may be reported differently in the database. This variant has not been reported in the literature in individuals affected with NEK1-related conditions. An algorithm developed to predict the effect of missense changes on protein structure and function (PolyPhen-2) suggests that this variant is likely to be disruptive. In summary, the available evidence is currently insufficient to determine the role of this variant in disease. Therefore, it has been classified as a Variant of Uncertain Significance.